The following is an entry in ClinVar:

NM_000321.3(RB1):c.745T>A (p.Ser249Thr)

Gene: RB1 (RB transcriptional corepressor 1; plus strand). Cytogenetic location: 13q14.2.
Variant type: single nucleotide variant.
Coding change: c.745T>A on transcript NM_000321.3 (MANE Select); coding-DNA position 745, T replaced by A.
Protein change: p.Ser249Thr; replaces serine 249 with threonine.
Molecular consequence: missense variant.
Genome position (GRCh38, 1-based): chr13:48,362,841, T>A. VCF-style: chr13-48362841-T-A. GRCh37 (hg19) VCF-style: chr13-48936977-T-A.
Other names: c.745T>A (NM_000321.2); short protein forms S249T.
Identifiers: ClinVar variation 1488931 (VCV001488931.9), dbSNP rs2138112221, ClinGen allele CA388159301.

ClinVar aggregate classification (germline): Uncertain significance. Review status: criteria provided, multiple submitters, no conflicts (2 of 4 stars). 2 submissions from 2 submitters: Uncertain significance (2). Last evaluated 2024-06-14.

Conditions:
Hereditary cancer-predisposing syndrome. Also called: Hereditary neoplastic syndrome; Neoplastic Syndromes, Hereditary; Hereditary Cancer Syndrome; Tumor predisposition. Identifiers: Orphanet 140162, MedGen C0027672, MeSH D009386, MONDO:0015356.
Retinoblastoma (RB1). Also called: RETINOBLASTOMA, SOMATIC. Identifiers: Orphanet 790, MedGen C0035335, MeSH D012175, MONDO:0008380, OMIM 180200, HP:0009919. Disease mechanism: loss of function. Inheritance: Both sporadic and heritable forms are tested..

Submissions (2):

Labcorp Genetics (formerly Invitae), Labcorp
Classification: Uncertain significance for Retinoblastoma. Last evaluated: 2024-06-14. Review status: criteria provided, single submitter. Criteria: Invitae Variant Classification Sherloc (09022015). Collection method: clinical testing. Allele origin: germline.
Comment: This sequence change replaces serine, which is neutral and polar, with threonine, which is neutral and polar, at codon 249 of the RB1 protein (p.Ser249Thr). This variant is not present in population databases (gnomAD no frequency). This variant has not been reported in the literature in individuals affected with RB1-related conditions. ClinVar contains an entry for this variant (Variation ID: 1488931). Advanced modeling of protein sequence and biophysical properties (such as structural, functional, and spatial information, amino acid conservation, physicochemical variation, residue mobility, and thermodynamic stability) performed at Invitae indicates that this missense variant is not expected to disrupt RB1 protein function with a negative predictive value of 80%. In summary, the available evidence is currently insufficient to determine the role of this variant in disease. Therefore, it has been classified as a Variant of Uncertain Significance.

Ambry Genetics
Classification: Uncertain significance for Hereditary cancer-predisposing syndrome. Last evaluated: 2023-09-02. Review status: criteria provided, single submitter. Criteria: Ambry Variant Classification Scheme 2023. Collection method: clinical testing. Allele origin: germline.
Comment: The p.S249T variant (also known as c.745T>A), located in coding exon 8 of the RB1 gene, results from a T to A substitution at nucleotide position 745. The serine at codon 249 is replaced by threonine, an amino acid with similar properties. This amino acid position is highly conserved in available vertebrate species. In addition, the in silico prediction for this alteration is inconclusive. Since supporting evidence is limited at this time, the clinical significance of this alteration remains unclear.